The following is an entry in ClinVar:

NM_032043.3(BRIP1):c.672A>C (p.Gly224=)

Gene: BRIP1 (BRCA1 interacting DNA helicase 1; minus strand). Cytogenetic location: 17q23.2.
Variant type: single nucleotide variant.
Coding change: c.672A>C on transcript NM_032043.3 (MANE Select); coding-DNA position 672, A replaced by C.
Protein change: p.Gly224=; no amino-acid change (glycine 224 retained).
Molecular consequence: synonymous variant.
Genome position (GRCh38, 1-based): chr17:61,808,713, T>G on the plus strand (A>C on the coding strand, the complement: BRIP1 is on the minus strand). VCF-style: chr17-61808713-T-G. GRCh37 (hg19) VCF-style: chr17-59886074-T-G.
Identifiers: ClinVar variation 461177 (VCV000461177.13), dbSNP rs752356873, ClinGen allele CA501335726.

ClinVar aggregate classification (germline): Benign/Likely benign. Review status: criteria provided, multiple submitters, no conflicts (2 of 4 stars). 2 submissions from 2 submitters: Benign (1); Likely benign (1). Last evaluated 2025-11-21.

Conditions:
Fanconi anemia complementation group J. Also called: BRIP1-Related Fanconi Anemia. Identifiers: Orphanet 84, MedGen C1836860, MONDO:0012187, OMIM 609054.
Familial cancer of breast. Also called: BREAST CANCER, FAMILIAL; hereditary breast carcinoma; Hereditary breast cancer. Identifiers: Orphanet 227535, MedGen C0346153, MONDO:0016419, OMIM 114480. Disease mechanism: loss of function.

Submissions (2):

Labcorp Genetics (formerly Invitae), Labcorp
Classification: Likely benign for Familial cancer of breast; Fanconi anemia complementation group J. Last evaluated: 2025-11-21. Review status: criteria provided, single submitter. Criteria: Invitae Variant Classification Sherloc (09022015). Collection method: clinical testing. Allele origin: germline.

Myriad Genetics, Inc.
Classification: Benign for Familial cancer of breast. Last evaluated: 2024-08-22. Review status: criteria provided, single submitter. Criteria: Myriad Autosomal Dominant, Autosomal Recessive and X-Linked Classification Criteria (2023). Collection method: clinical testing. Allele origin: unknown.
Comment: This variant is considered benign. This variant is a silent/synonymous amino acid change and it is not expected to impact splicing.